The following is an entry in ClinVar:

NM_014889.4(PITRM1):c.289A>G (p.Met97Val)

Gene: PITRM1 (pitrilysin metallopeptidase 1; minus strand). Cytogenetic location: 10p15.2.
Variant type: single nucleotide variant.
Coding change: c.289A>G on transcript NM_014889.4 (MANE Select); coding-DNA position 289, A replaced by G.
Protein change: p.Met97Val; replaces methionine 97 with valine.
Molecular consequence: missense variant. On other transcripts: 5 prime UTR variant (3), non-coding transcript variant (4).
Genome position (GRCh38, 1-based): chr10:3,166,358, T>C on the plus strand (A>G on the coding strand, the complement: PITRM1 is on the minus strand). VCF-style: chr10-3166358-T-C. GRCh37 (hg19) VCF-style: chr10-3208550-T-C.
Other names: c.-283A>G (NM_001347726.2, NM_001347727.2); c.-1012A>G (NM_001347728.2); c.265A>G, p.Met89Val (NM_001347729.1, NM_001347730.1); c.289A>G, p.Met97Val (NM_001242307.2, NM_001347725.2); c.193A>G, p.Met65Val (NM_001242309.1); short protein forms M65V, M89V, M97V.
Identifiers: ClinVar variation 3767235 (VCV003767235.1).

ClinVar aggregate classification (germline): Uncertain significance (1 of 4 stars; one submission).

Conditions:
Cerebellar ataxia. Identifiers: Orphanet 102002, MedGen C0007758, MONDO:0000437.

Submission:

Clinical Genetics Laboratory, Skane University Hospital Lund
Classification: Uncertain significance for Cerebellar ataxia. Last evaluated: 2025-03-07. Review status: criteria provided, single submitter. Criteria: ACMG Guidelines, 2015. Collection method: clinical testing. Allele origin: germline. Inheritance: Autosomal recessive inheritance. Affected: yes.
Comment: PM2, PM3, PP3